The following is an entry in ClinVar:

NM_138927.4(SON):c.3399C>T (p.Thr1133=)

Gene: SON (SON DNA and RNA binding protein; plus strand). Cytogenetic location: 21q22.11.
Variant type: single nucleotide variant.
Coding change: c.3399C>T on transcript NM_138927.4 (MANE Select); coding-DNA position 3399, C replaced by T.
Protein change: p.Thr1133=; no amino-acid change (threonine 1133 retained).
Molecular consequence: synonymous variant. On other transcripts: non-coding transcript variant (1), intron variant (1).
Genome position (GRCh38, 1-based): chr21:33,552,630, C>T. VCF-style: chr21-33552630-C-T. GRCh37 (hg19) VCF-style: chr21-34924936-C-T.
Other names: c.3399C>T, p.Thr1133= (NM_001291411.2, NM_001412133.1, NM_032195.3 and 2 more transcripts); c.245-4526C>T (NM_001291412.3).
Identifiers: ClinVar variation 1960987 (VCV001960987.9), dbSNP rs148902790, ClinGen allele CA10009287.
Genomic context (GRCh38, chr21:33,552,630, plus strand): 5'-TATGATGTCATCTTATACTGCTGATCGTTCAATGATGTCTATGGCTGCTGATTCTTACAC[C>T]GATTCTTACACTGACACATATACAGAGGCATATATGGTGCCACCTTTGCCTCCTGAAGAG-3'
Protein context (NP_620305.3, residues 1123-1143): SMMSMAADSY[Thr1133=]DSYTDTYTEA

ClinVar aggregate classification (germline): Likely benign. Review status: criteria provided, multiple submitters, no conflicts (2 of 4 stars). 2 submissions from 2 submitters: Likely benign (2). Last evaluated 2026-02-01.

Allele frequency attached by ClinVar (database versions not stated): 1000 Genomes Project 30x 0.00031; 1000 Genomes Project 0.00040.

Submissions (2):

CeGaT Center for Human Genetics Tuebingen
Classification: Likely benign. Last evaluated: 2026-02-01. Review status: criteria provided, single submitter. Criteria: CeGaT Center For Human Genetics Tuebingen Variant Classification Criteria Version 2. Collection method: clinical testing. Allele origin: germline. Affected: yes. Observed: 1 variant allele.
Comment: SON: BP4, BP7

Labcorp Genetics (formerly Invitae), Labcorp
Classification: Likely benign. Last evaluated: 2025-05-20. Review status: criteria provided, single submitter. Criteria: Invitae Variant Classification Sherloc (09022015). Collection method: clinical testing. Allele origin: germline.